The following is an entry in ClinVar:

NM_031917.3(ANGPTL6):c.287T>C (p.Leu96Pro)

Genes: ANGPTL6 (angiopoietin like 6; minus strand), LOC130063467 (ATAC-STARR-seq lymphoblastoid silent region 10054; plus strand). Cytogenetic location: 19p13.2.
Variant type: single nucleotide variant.
Coding change: c.287T>C on transcript NM_031917.3 (MANE Select); coding-DNA position 287, T replaced by C.
Protein change: p.Leu96Pro; replaces leucine 96 with proline.
Molecular consequence: missense variant.
Genome position (GRCh38, 1-based): chr19:10,096,277, A>G on the plus strand (T>C on the coding strand, the complement: ANGPTL6 is on the minus strand). VCF-style: chr19-10096277-A-G. GRCh37 (hg19) VCF-style: chr19-10206953-A-G.
Other names: c.287T>C, p.Leu96Pro (NM_001321411.2, NM_001387347.1, NM_001387348.1); short protein forms L96P.
Identifiers: ClinVar variation 2649281 (VCV002649281.24), dbSNP rs559282550, ClinGen allele CA9185465.
Genomic context (GRCh38, chr19:10,096,277, plus strand): 5'-TGCTGCAGCTGCGCGCGCAACTGGCCCAGGCGCGCGCTCAGGCCGCGGCTCTCCTTGCGC[A>G]GCGCGCGCACCTCGCCGGCCACGGCGCCGTCGGCCGCCGCCAGCCTCTGCAGCTCGCGTA-3'
Protein context (NP_114123.2, residues 86-106): DGAVAGEVRA[Leu96Pro]RKESRGLSAR

ClinVar aggregate classification (germline): Benign (1 of 4 stars; one submission).

Allele frequency attached by ClinVar (database versions not stated): 1000 Genomes Project 0.00379; 1000 Genomes Project 30x 0.00562; TOPMed 0.01390; gnomAD 0.01493; gnomAD exomes 0.02500.

Submission:

CeGaT Center for Human Genetics Tuebingen
Classification: Benign. Last evaluated: 2025-06-01. Review status: criteria provided, single submitter. Criteria: CeGaT Center For Human Genetics Tuebingen Variant Classification Criteria Version 2. Collection method: clinical testing. Allele origin: germline. Affected: yes. Observed: 2 variant alleles.
Comment: ANGPTL6: BS1, BS2